The following is an entry in ClinVar:

NM_025074.7(FRAS1):c.886G>A (p.Glu296Lys)

Gene: FRAS1 (Fraser extracellular matrix complex subunit 1; plus strand). Cytogenetic location: 4q21.21.
Variant type: single nucleotide variant.
Coding change: c.886G>A on transcript NM_025074.7 (MANE Select); coding-DNA position 886, G replaced by A.
Protein change: p.Glu296Lys; replaces glutamic acid 296 with lysine.
Molecular consequence: missense variant.
Genome position (GRCh38, 1-based): chr4:78,267,337, G>A. VCF-style: chr4-78267337-G-A. GRCh37 (hg19) VCF-style: chr4-79188491-G-A.
Other names: c.886G>A, p.Glu296Lys (NM_001166133.2); short protein forms E296K.
Identifiers: ClinVar variation 349672 (VCV000349672.14), dbSNP rs186811333, ClinGen allele CA2976109.

ClinVar aggregate classification (germline): Uncertain significance. Review status: criteria provided, multiple submitters, no conflicts (2 of 4 stars). 7 submissions from 7 submitters: Uncertain significance (5). 2 of the submissions do not count toward it. Last evaluated 2022-08-08.

Conditions:
FRAS1-related disorder. Also called: FRAS1-related condition.
Fraser syndrome 1 (FRASRS1). Also called: CRYPTOPHTHALMOS WITH OTHER MALFORMATIONS. Identifiers: Orphanet 2052, MedGen C4551480, MONDO:0054737, OMIM 219000.

Allele frequency attached by ClinVar (database versions not stated): gnomAD 0.00074; TOPMed 0.00080; 1000 Genomes Project 30x 0.00094; gnomAD exomes 0.00096 and 0.00124; 1000 Genomes Project 0.00100; ExAC 0.00102; ESP Exome Variant Server 0.00109.
gnomAD v4.1: 1,909 of 1,613,832 alleles (0.12%); highest among the groups gnomAD compares: Middle Eastern, 0.35%; 3 homozygotes.

Submissions (7):

Labcorp Genetics (formerly Invitae), Labcorp
Classification: Uncertain significance. Last evaluated: 2022-08-08. Review status: criteria provided, single submitter. Criteria: Invitae Variant Classification Sherloc (09022015). Collection method: clinical testing. Allele origin: germline.
Comment: This sequence change replaces glutamic acid, which is acidic and polar, with lysine, which is basic and polar, at codon 296 of the FRAS1 protein (p.Glu296Lys). This variant is present in population databases (rs186811333, gnomAD 0.2%), including at least one homozygous and/or hemizygous individual. This variant has not been reported in the literature in individuals affected with FRAS1-related conditions. ClinVar contains an entry for this variant (Variation ID: 349672). Algorithms developed to predict the effect of missense changes on protein structure and function are either unavailable or do not agree on the potential impact of this missense change (SIFT: "Deleterious"; PolyPhen-2: "Benign"; Align-GVGD: "Class C0"). In summary, the available evidence is currently insufficient to determine the role of this variant in disease. Therefore, it has been classified as a Variant of Uncertain Significance.

GeneDx
Classification: Uncertain significance. Last evaluated: 2022-05-08. Review status: criteria provided, single submitter. Criteria: GeneDx Variant Classification Process June 2021. Collection method: clinical testing. Allele origin: germline. Affected: yes.
Comment: In silico analysis supports that this missense variant has a deleterious effect on protein structure/function; Has not been previously published as pathogenic or benign to our knowledge

Revvity Omics, Revvity
Classification: Uncertain significance for Fraser syndrome 1. Last evaluated: 2019-05-13. Review status: criteria provided, single submitter. Criteria: ACMG Guidelines, 2015. Collection method: clinical testing. Allele origin: germline.

Illumina Laboratory Services, Illumina
Classification: Uncertain significance for Fraser syndrome 1. Last evaluated: 2018-01-12. Review status: criteria provided, single submitter. Criteria: ICSL Variant Classification Criteria 13 December 2019. Collection method: clinical testing. Allele origin: germline.

Breakthrough Genomics
Classification: Uncertain significance. Review status: criteria provided, single submitter. Criteria: ACMG Guidelines, 2015. Collection method: not provided. Allele origin: germline. Inheritance: Autosomal recessive inheritance. Affected: yes.

PreventionGenetics, part of Exact Sciences
Classification: Likely benign for FRAS1-related condition. Last evaluated: 2022-03-31. Review status: no assertion criteria provided. Collection method: clinical testing. Allele origin: germline. Not counted in ClinVar's aggregate classification.
Comment: This variant is classified as likely benign based on ACMG/AMP sequence variant interpretation guidelines (Richards et al. 2015 PMID: 25741868, with internal and published modifications).

Service de Biochimie Médicale et Biologie Moléculaire, CHU Clermont-Ferrand
Classification: Uncertain significance for Fraser syndrome 1. Last evaluated: 2018-09-14. Review status: no assertion criteria provided. Criteria: ACMG Guidelines, 2015. Collection method: clinical testing. Allele origin: inherited. Inheritance: Autosomal recessive inheritance. Affected: yes. Not counted in ClinVar's aggregate classification.